The following is an entry in ClinVar:

NM_174936.4(PCSK9):c.815G>A (p.Arg272Gln)

Gene: PCSK9 (proprotein convertase subtilisin/kexin type 9; plus strand). Cytogenetic location: 1p32.3.
Variant type: single nucleotide variant.
Coding change: c.815G>A on transcript NM_174936.4 (MANE Select); coding-DNA position 815, G replaced by A.
Protein change: p.Arg272Gln; replaces arginine 272 with glutamine.
Molecular consequence: missense variant.
Genome position (GRCh38, 1-based): chr1:55,056,008, G>A. VCF-style: chr1-55056008-G-A. GRCh37 (hg19) VCF-style: chr1-55521681-G-A.
Other names: c.938G>A, p.Arg313Gln (NM_001407240.1); c.815G>A, p.Arg272Gln (NM_001407241.1, NM_001407244.1, NM_001407247.1); c.818G>A, p.Arg273Gln (NM_001407242.1); c.758G>A, p.Arg253Gln (NM_001407243.1); c.623G>A, p.Arg208Gln (NM_001407245.1); c.440G>A, p.Arg147Gln (NM_001407246.1); short protein forms R272Q, R208Q, R147Q, R253Q, R273Q, R313Q.
Identifiers: ClinVar variation 438336 (VCV000438336.4), dbSNP rs1486032110, ClinGen allele CA340474306.

ClinVar aggregate classification (germline): Uncertain significance. Review status: criteria provided, multiple submitters, no conflicts (2 of 4 stars). 3 submissions from 3 submitters: Uncertain significance (3). Last evaluated 2025-05-09.

Conditions:
Hypercholesterolemia, autosomal dominant, 3 (FHCL3). Also called: Familial hypercholesterolemia 3; Familial Hypercholesterolemia, Autosomal Dominant, 3; PCSK9-Related Familial Hypercholesterolemia, Autosomal Dominant. Identifiers: MedGen C1863551, MONDO:0011369, OMIM 603776.
Hypercholesterolemia, familial, 1. Also called: LDL RECEPTOR DISORDER; Hyperlipoproteinemia Type IIa; HYPER-LOW-DENSITY-LIPOPROTEINEMIA; HYPERCHOLESTEROLEMIC XANTHOMATOSIS, FAMILIAL; Fredrickson type IIa hyperlipoproteinemia; Hyperlipoproteinemia type 2. Identifiers: Orphanet 391665, MedGen C0745103, MONDO:0007750, OMIM 143890.

Submissions (3):

Women's Health and Genetics/Laboratory Corporation of America, LabCorp
Classification: Uncertain significance. Last evaluated: 2025-05-09. Review status: criteria provided, single submitter. Criteria: LabCorp Variant Classification Summary - May 2015. Collection method: clinical testing. Allele origin: germline.
Comment: Variant summary: PCSK9 c.815G>A (p.Arg272Gln) results in a conservative amino acid change in the encoded protein sequence. Algorithms developed to predict the effect of missense changes on protein structure and function all suggest that this variant is likely to be tolerated. The frequency data for this variant in gnomAD is considered unreliable, as metrics indicate poor data quality at this position. c.815G>A has been observed in at least one individual affected with Familial Hypercholesterolemia (Cameron_2008). The report does not provide unequivocal conclusions about association of the variant with Familial Hypercholesterolemia. At least one publication reports experimental evidence evaluating an impact on protein function. These results showed no damaging effect of this variant (Cameron_2008). The following publication have been ascertained in the context of this evaluation (PMID: 18266662). ClinVar contains an entry for this variant (Variation ID: 438336). Based on the evidence outlined above, the variant was classified as uncertain significance.

All of Us Research Program, National Institutes of Health
Classification: Uncertain significance for Hypercholesterolemia, autosomal dominant, 3. Last evaluated: 2023-02-24. Review status: criteria provided, single submitter. Criteria: ACMG Guidelines, 2015. Collection method: clinical testing. Allele origin: germline. Inheritance: Autosomal dominant inheritance. Observed: 1 variant allele, 1 heterozygote.
Comment: This missense variant replaces arginine with glutamine at codon 272 of the PCSK9 protein. Computational prediction suggests that this variant may not impact protein structure and function (internally defined REVEL score threshold <= 0.5, PMID: 27666373). Functional studies in HEK-293 cells have shown that this variant may not impact PCSK9 function (PMID: 18266662). This variant has been reported in an individual affected with familial hypercholesterolemia (PMID: 18266662). This variant has not been identified in the general population by the Genome Aggregation Database (gnomAD). The available evidence is insufficient to determine the role of this variant in disease conclusively. Therefore, this variant is classified as a Variant of Uncertain Significance.

This study involves interpretation of variants in research participants for the purpose of population health screening. Participant phenotype was not available at the time of variant classification. Additional details can be found in publication PMID: 35346344, PMCID: PMC8962531

Cardiovascular Research Group, Instituto Nacional de Saude Doutor Ricardo Jorge
Classification: Uncertain significance for Familial hypercholesterolemia. Last evaluated: 2016-03-01. Review status: criteria provided, single submitter. Criteria: ACMG Guidelines, 2015. Collection method: curation, literature only. Allele origin: germline, not applicable.

Literature cited by the submitters: PubMed 18266662 (cited by 3 submitters).